The following is an entry in ClinVar:

ClinVar aggregate classification (germline): Likely benign. Review status: criteria provided, single submitter (1 of 4 stars). 2 submissions from 2 submitters: Likely benign (1). 1 of the submissions does not count toward it. Last evaluated 2023-10-18.

Conditions:
PCNT-related disorder. Also called: PCNT-related condition.

gnomAD v4.1: 8 of 1,614,144 alleles (0.0005%); highest among the groups gnomAD compares: Admixed American, 0.005%; no homozygotes.

Submissions (2):

Labcorp Genetics (formerly Invitae), Labcorp
Classification: Likely benign. Last evaluated: 2023-10-18. Review status: criteria provided, single submitter. Criteria: Invitae Variant Classification Sherloc (09022015). Collection method: clinical testing. Allele origin: germline.

PreventionGenetics, part of Exact Sciences
Classification: Likely benign for PCNT-related condition. Last evaluated: 2023-05-22. Review status: no assertion criteria provided. Collection method: clinical testing. Allele origin: germline. Not counted in ClinVar's aggregate classification.
Comment: This variant is classified as likely benign based on ACMG/AMP sequence variant interpretation guidelines (Richards et al. 2015 PMID: 25741868, with internal and published modifications).

NM_006031.6(PCNT):c.4353C>T (p.Arg1451=)

Gene: PCNT (pericentrin; plus strand). Cytogenetic location: 21q22.3.
Variant type: single nucleotide variant.
Coding change: c.4353C>T on transcript NM_006031.6 (MANE Select); coding-DNA position 4353, C replaced by T.
Protein change: p.Arg1451=; no amino-acid change (arginine 1451 retained).
Molecular consequence: synonymous variant.
Genome position (GRCh38, 1-based): chr21:46,397,401, C>T. VCF-style: chr21-46397401-C-T. GRCh37 (hg19) VCF-style: chr21-47817315-C-T.
Other names: c.4353C>T (NM_006031.5); c.3999C>T, p.Arg1333= (NM_001315529.2).
Identifiers: ClinVar variation 2975008 (VCV002975008.5), dbSNP rs772208866, ClinGen allele CA10079602.